The following is an entry in ClinVar:

ClinVar aggregate classification (germline): Uncertain significance (1 of 4 stars; one submission).

Conditions:
Severe early-onset pulmonary alveolar proteinosis due to MARS deficiency. Also called: PULMONARY ALVEOLAR PROTEINOSIS, REUNION ISLAND; Interstitial lung and liver disease. Identifiers: Orphanet 440427, MedGen C4225400, MONDO:0014206, OMIM 615486.
Charcot-Marie-Tooth disease axonal type 2U. Also called: CHARCOT-MARIE-TOOTH NEUROPATHY, TYPE 2U; CHARCOT-MARIE-TOOTH DISEASE, AXONAL, AUTOSOMAL DOMINANT, TYPE 2U. Identifiers: Orphanet 397735, MedGen C4084821, MONDO:0014566, OMIM 616280.

Allele frequency attached by ClinVar (database versions not stated): gnomAD exomes below 0.00001.
gnomAD v4.1: 2 of 1,613,924 alleles (0.00012%); highest among the groups gnomAD compares: East Asian, 0.0022%; no homozygotes.

Submission:

Labcorp Genetics (formerly Invitae), Labcorp
Classification: Uncertain significance for Charcot-Marie-Tooth disease axonal type 2U; Severe early-onset pulmonary alveolar proteinosis due to MARS deficiency. Last evaluated: 2024-12-16. Review status: criteria provided, single submitter. Criteria: Invitae Variant Classification Sherloc (09022015). Collection method: clinical testing. Allele origin: germline.
Comment: This sequence change replaces threonine, which is neutral and polar, with serine, which is neutral and polar, at codon 576 of the MARS protein (p.Thr576Ser). This variant is present in population databases (no rsID available, gnomAD 0.003%). This variant has not been reported in the literature in individuals affected with MARS-related conditions. ClinVar contains an entry for this variant (Variation ID: 1681753). An algorithm developed to predict the effect of missense changes on protein structure and function (PolyPhen-2) suggests that this variant is likely to be disruptive. In summary, the available evidence is currently insufficient to determine the role of this variant in disease. Therefore, it has been classified as a Variant of Uncertain Significance.

NM_004990.4(MARS1):c.1727C>G (p.Thr576Ser)

Gene: MARS1 (methionyl-tRNA synthetase 1; plus strand). Cytogenetic location: 12q13.3.
Variant type: single nucleotide variant.
Coding change: c.1727C>G on transcript NM_004990.4 (MANE Select); coding-DNA position 1727, C replaced by G.
Protein change: p.Thr576Ser; replaces threonine 576 with serine.
Molecular consequence: missense variant.
Genome position (GRCh38, 1-based): chr12:57,512,327, C>G. VCF-style: chr12-57512327-C-G. GRCh37 (hg19) VCF-style: chr12-57906110-C-G.
Other names: short protein forms T576S.
Identifiers: ClinVar variation 1681753 (VCV001681753.6), dbSNP rs1357906437, ClinGen allele CA385462600.